The following is an entry in ClinVar:

NM_002691.4(POLD1):c.3039T>G (p.Ile1013Met)

Gene: POLD1 (DNA polymerase delta 1, catalytic subunit; plus strand). Cytogenetic location: 19q13.33.
Variant type: single nucleotide variant.
Coding change: c.3039T>G on transcript NM_002691.4 (MANE Select); coding-DNA position 3039, T replaced by G.
Protein change: p.Ile1013Met; replaces isoleucine 1013 with methionine.
Molecular consequence: missense variant. On other transcripts: non-coding transcript variant (1).
Genome position (GRCh38, 1-based): chr19:50,416,695, T>G. VCF-style: chr19-50416695-T-G. GRCh37 (hg19) VCF-style: chr19-50919952-T-G.
Other names: c.3039T>G, p.Ile1013Met (NM_001256849.1); c.3117T>G, p.Ile1039Met (NM_001308632.1); short protein forms I1039M, I1013M.
Identifiers: ClinVar variation 3653569 (VCV003653569.2).

ClinVar aggregate classification (germline): Uncertain significance (1 of 4 stars; one submission).

Conditions:
POLD1-related polyposis and colorectal cancer syndrome (CRCS10). Also called: Colorectal cancer 10; COLORECTAL CANCER, SUSCEPTIBILITY TO, ON CHROMOSOME 19q; Colorectal cancer, susceptibility to, 10. Identifiers: Orphanet 220460, MedGen C2675481, MONDO:0012953, OMIM 612591.

Submission:

Labcorp Genetics (formerly Invitae), Labcorp
Classification: Uncertain significance for POLD1-related polyposis and colorectal cancer syndrome. Last evaluated: 2025-07-31. Review status: criteria provided, single submitter. Criteria: Invitae Variant Classification Sherloc (09022015). Collection method: clinical testing. Allele origin: germline.
Comment: This sequence change replaces isoleucine, which is neutral and non-polar, with methionine, which is neutral and non-polar, at codon 1013 of the POLD1 protein (p.Ile1013Met). This variant is not present in population databases (gnomAD no frequency). This variant has not been reported in the literature in individuals affected with POLD1-related conditions. ClinVar contains an entry for this variant (Variation ID: 3653569). Invitae Evidence Modeling of protein sequence and biophysical properties (such as structural, functional, and spatial information, amino acid conservation, physicochemical variation, residue mobility, and thermodynamic stability) indicates that this missense variant is not expected to disrupt POLD1 protein function with a negative predictive value of 80%. In summary, the available evidence is currently insufficient to determine the role of this variant in disease. Therefore, it has been classified as a Variant of Uncertain Significance.